The following is an entry in ClinVar:

ClinVar aggregate classification (germline): Pathogenic. Review status: criteria provided, single submitter (1 of 4 stars). 2 submissions from 2 submitters: Pathogenic (1). 1 of the submissions does not count toward it. Last evaluated 2022-10-17.

Conditions:
Cohen syndrome (COH1). Also called: Cutis verticis gyrata, retinitis pigmentosa, and sensorineural deafness; PEPPER SYNDROME. Identifiers: Orphanet 193, MedGen C0265223, MONDO:0008999, OMIM 216550.

Submissions (2):

Labcorp Genetics (formerly Invitae), Labcorp
Classification: Pathogenic for Cohen syndrome. Last evaluated: 2022-10-17. Review status: criteria provided, single submitter. Criteria: Invitae Variant Classification Sherloc (09022015). Collection method: clinical testing. Allele origin: germline.
Comment: For these reasons, this variant has been classified as Pathogenic. ClinVar contains an entry for this variant (Variation ID: 555869). This variant has not been reported in the literature in individuals affected with VPS13B-related conditions. This variant is present in population databases (rs753645306, gnomAD 0.01%). This sequence change creates a premature translational stop signal (p.Pro1261Leufs*9) in the VPS13B gene. It is expected to result in an absent or disrupted protein product. Loss-of-function variants in VPS13B are known to be pathogenic (PMID: 15141358, 16648375, 20461111).

Counsyl
Classification: Likely pathogenic for Cohen syndrome. Last evaluated: 2017-12-29. Review status: no assertion criteria provided. Collection method: clinical testing. Allele origin: unknown. Not counted in ClinVar's aggregate classification.

Literature cited by the submitters: PubMed 15141358 (cited by Labcorp Genetics (formerly Invitae), Labcorp); PubMed 16648375 (cited by Labcorp Genetics (formerly Invitae), Labcorp); PubMed 20461111 (cited by Labcorp Genetics (formerly Invitae), Labcorp).

NM_152564.5(VPS13B):c.3782del (p.Pro1261fs)

Gene: VPS13B (vacuolar protein sorting 13 homolog B; plus strand). Cytogenetic location: 8q22.2.
Variant type: Deletion.
Coding change: c.3782del on transcript NM_152564.5 (MANE Select); coding-DNA position 3782, one base deleted (C; older notation c.3782delC).
Protein change: p.Pro1261fs; shifts the reading frame from proline 1261.
Molecular consequence: frameshift variant.
Genome position (GRCh38, 1-based): chr8:99,481,714, C deleted; the last of 2 consecutive C bases (chr8:99,481,713-99,481,714); deleting either gives the same sequence. VCF-style (leftmost placement, unchanged base first): chr8-99481712-TC-T. GRCh37 (hg19) VCF-style: chr8-100493940-TC-T.
Other names: c.3782del, p.Pro1261fs (NM_017890.5); c.3782delC (NM_017890.4); short protein forms P1261fs.
Identifiers: ClinVar variation 555869 (VCV000555869.7), dbSNP rs753645306, ClinGen allele CA4823333.